The following is an entry in ClinVar:

ClinVar aggregate classification (germline): Uncertain significance (1 of 4 stars; one submission).

Allele frequency attached by ClinVar (database versions not stated): gnomAD exomes below 0.00001; TOPMed below 0.00001.
gnomAD v4.1: 1 of 1,480,590 alleles (0.000068%); highest among the groups gnomAD compares: East Asian, 0.0023%; no homozygotes.

Submission:

Labcorp Genetics (formerly Invitae), Labcorp
Classification: Uncertain significance. Last evaluated: 2020-08-20. Review status: criteria provided, single submitter. Criteria: Invitae Variant Classification Sherloc (09022015). Collection method: clinical testing. Allele origin: germline.
Comment: This variant has not been reported in the literature in individuals with ADGRV1-related conditions. This sequence change replaces serine with leucine at codon 412 of the ADGRV1 protein (p.Ser412Leu). The serine residue is moderately conserved and there is a large physicochemical difference between serine and leucine. This variant is not present in population databases (ExAC no frequency). Algorithms developed to predict the effect of missense changes on protein structure and function output the following: SIFT: "Tolerated"; PolyPhen-2: "Benign"; Align-GVGD: "Class C0". The leucine amino acid residue is found in multiple mammalian species, suggesting that this missense change does not adversely affect protein function. These predictions have not been confirmed by published functional studies and their clinical significance is uncertain. In summary, the available evidence is currently insufficient to determine the role of this variant in disease. Therefore, it has been classified as a Variant of Uncertain Significance.

NM_032119.4(ADGRV1):c.1235C>T (p.Ser412Leu)

Gene: ADGRV1 (adhesion G protein-coupled receptor V1; plus strand). Cytogenetic location: 5q14.3.
Variant type: single nucleotide variant.
Coding change: c.1235C>T on transcript NM_032119.4 (MANE Select); coding-DNA position 1235, C replaced by T.
Protein change: p.Ser412Leu; replaces serine 412 with leucine.
Molecular consequence: missense variant. On other transcripts: non-coding transcript variant (1).
Genome position (GRCh38, 1-based): chr5:90,627,773, C>T. VCF-style: chr5-90627773-C-T. GRCh37 (hg19) VCF-style: chr5-89923590-C-T.
Other names: short protein forms S412L.
Identifiers: ClinVar variation 1003405 (VCV001003405.8), dbSNP rs1466986050, ClinGen allele CA360370784.
Genomic context (GRCh38, chr5:90,627,773, plus strand): 5'-TCCTTTCATTCAACAGTGTTTTGTTTGAAAGGACAGTTATAATTGATGAAGATAGAATAT[C>T]AAGGTATGATTTATTTTAAATATATTGCTACCATTATTTTATTATATTATTCCAGATTTA-3'
Protein context (NP_115495.3, residues 402-422): RTVIIDEDRI[Ser412Leu]RYEEITVVRN